The following is an entry in ClinVar:

NM_003632.3(CNTNAP1):c.2344C>T (p.Arg782Ter)

Gene: CNTNAP1 (contactin associated protein 1; plus strand). Cytogenetic location: 17q21.2.
Variant type: single nucleotide variant.
Coding change: c.2344C>T on transcript NM_003632.3 (MANE Select); coding-DNA position 2344, C replaced by T.
Protein change: p.Arg782Ter; replaces arginine 782 with a stop codon.
Molecular consequence: nonsense.
Genome position (GRCh38, 1-based): chr17:42,691,511, C>T. VCF-style: chr17-42691511-C-T. GRCh37 (hg19) VCF-style: chr17-40843529-C-T.
Other names: short protein forms R782*.
Identifiers: ClinVar variation 817524 (VCV000817524.1), dbSNP rs757901877, ClinGen allele CA8582021.

ClinVar aggregate classification (germline): Pathogenic (1 of 4 stars; one submission).

Allele frequency attached by ClinVar (database versions not stated): TOPMed below 0.00001; ExAC 0.00001; gnomAD exomes 0.00001.
gnomAD v4.1: 16 of 1,613,884 alleles (0.00099%); highest among the groups gnomAD compares: East Asian, 0.0022%; no homozygotes.

Submission:

GeneDx
Classification: Pathogenic. Last evaluated: 2019-03-12. Review status: criteria provided, single submitter. Criteria: GeneDx Variant Classification (06012015). Collection method: clinical testing. Allele origin: germline. Affected: yes.
Comment: The R782X variant in the CNTNAP1 gene has been reported previously in a patient with congenital hypomyelinating neuropathy who was compound heterozygous for this and a second variant in the gene (Low et al., 2018). This variant is predicted to cause loss of normal protein function either through protein truncation or nonsense-mediated mRNA decay. The R782X variant is not observed at a significant frequency in large population cohorts (Lek et al., 2016). We interpret R782X as a pathogenic variant.